The following is an entry in ClinVar:

ClinVar aggregate classification (germline): Uncertain significance (1 of 4 stars; one submission).

Submission:

GeneDx
Classification: Uncertain significance. Last evaluated: 2019-11-13. Review status: criteria provided, single submitter. Criteria: GeneDx Variant Classification Process June 2021. Collection method: clinical testing. Allele origin: germline. Affected: yes.
Comment: Has not been previously published as pathogenic or benign to our knowledge; Not observed in large population cohorts (Lek et al., 2016); In silico analysis, which includes protein predictors and evolutionary conservation, supports a deleterious effect

NM_000093.5(COL5A1):c.2882G>A (p.Gly961Glu)

Gene: COL5A1 (collagen type V alpha 1 chain; plus strand). Cytogenetic location: 9q34.3.
Variant type: single nucleotide variant.
Coding change: c.2882G>A on transcript NM_000093.5 (MANE Select); coding-DNA position 2882, G replaced by A.
Protein change: p.Gly961Glu; replaces glycine 961 with glutamic acid.
Molecular consequence: missense variant.
Genome position (GRCh38, 1-based): chr9:134,796,885, G>A. VCF-style: chr9-134796885-G-A. GRCh37 (hg19) VCF-style: chr9-137688731-G-A.
Other names: c.2882G>A, p.Gly961Glu (NM_001278074.1); short protein forms G961E.
Identifiers: ClinVar variation 1320745 (VCV001320745.2), dbSNP rs2132807966, ClinGen allele CA375457113.
Genomic context (GRCh38, chr9:134,796,885, plus strand): 5'-AACTGGCCTTTCTCTGTTCCCAGGGACCCAATGGACCCCAAGGACCCACAGGATTTCCTG[G>A]ACCAAAGGGCCCCCCTGTAAGTAATGGCTTCCTTGCTGGGCCAGCACTGCCTGTCCCCTC-3'
Protein context (NP_000084.3, residues 951-971): NGPQGPTGFP[Gly961Glu]PKGPPGPPGK